The following is an entry in ClinVar:

NM_002137.4(HNRNPA2B1):c.996_997dup (p.Gly333fs)

Gene: HNRNPA2B1 (heterogeneous nuclear ribonucleoprotein A2/B1; minus strand). Cytogenetic location: 7p15.2.
Variant type: Duplication.
Coding change: c.996_997dup on transcript NM_002137.4 (MANE Select); coding-DNA positions 996 to 997, 2 bases duplicated (TG; older notation c.996_997dupTG).
Protein change: p.Gly333fs; shifts the reading frame from glycine 333.
Molecular consequence: frameshift variant.
Genome position (GRCh38, 1-based): chr7:26,192,545-26,192,546, CA duplicated on the plus strand (TG on the coding strand, the reverse complement: HNRNPA2B1 is on the minus strand); duplicating any 2 consecutive bases within chr7:26,192,545-26,192,547 gives the same sequence; the c. name uses the placement nearest the transcript's 3' end. VCF-style (leftmost placement, unchanged base first): chr7-26192544-C-CCA. GRCh37 (hg19) VCF-style: chr7-26232164-C-CCA.
Other names: c.1031_1032dup, p.Gly345Valfs (NM_031243.4); short protein forms G333fs, G345fs.
Identifiers: ClinVar variation 2574645 (VCV002574645.6), dbSNP rs2535701576, ClinGen allele CA2695207513.

ClinVar aggregate classification (germline): Conflicting classifications of pathogenicity. Review status: criteria provided, conflicting classifications (1 of 4 stars). 3 submissions from 3 submitters: Pathogenic (1); Uncertain significance (1). 1 of the submissions does not count toward it. Last evaluated 2024-03-01.

Conditions:
Myopathy, autophagic vacuolar, infantile-onset. Identifiers: MedGen C2931230, MONDO:0012286, OMIM 609500.
Inclusion body myopathy with early-onset Paget disease with or without frontotemporal dementia 2 (IBMPFD2). Also called: MULTISYSTEM PROTEINOPATHY 2. Identifiers: MedGen C3809468, MONDO:0014178, OMIM 615422.
Oculopharyngeal muscular dystrophy 2 (OPMD2). Identifiers: MedGen C5830682, MONDO:0958195, OMIM 620460.

Submissions (3):

Muscle and Diseases Team, Institut de Génétique et Biologie Moléculaire et Cellulaire
Classification: Pathogenic for Myopathy, autophagic vacuolar, infantile-onset. Last evaluated: 2024-03-01. Review status: criteria provided, single submitter. Criteria: ACMG Guidelines, 2015. Collection method: research. Allele origin: de novo. Affected: yes. Observed: 1 variant allele.
Comment: PVS1+PS2+PS3+PM1+PM2+PP3+PP4

Labcorp Genetics (formerly Invitae), Labcorp
Classification: Uncertain significance for Inclusion body myopathy with early-onset Paget disease with or without frontotemporal dementia 2. Last evaluated: 2023-12-02. Review status: criteria provided, single submitter. Criteria: Invitae Variant Classification Sherloc (09022015). Collection method: clinical testing. Allele origin: germline.
Comment: This sequence change results in a frameshift in the HNRNPA2B1 gene (p.Gly345Valfs*27). While this is not anticipated to result in nonsense mediated decay, it is expected to disrupt the last 9 amino acid(s) of the HNRNPA2B1 protein and extend the protein by 17 additional amino acid residues. This variant is not present in population databases (gnomAD no frequency). This frameshift has been observed in individual(s) with clinical features of HNRNPA2B1-related conditions (PMID: 35484142). This variant is also known as c.996_997dupTG, p.G333Vfs*27. ClinVar contains an entry for this variant (Variation ID: 2574645). Experimental studies and prediction algorithms are not available or were not evaluated, and the functional significance of this variant is currently unknown. In summary, the available evidence is currently insufficient to determine the role of this variant in disease. Therefore, it has been classified as a Variant of Uncertain Significance.

OMIM
Classification: Pathogenic for OCULOPHARYNGEAL MUSCULAR DYSTROPHY 2. Last evaluated: 2023-08-03. Review status: no assertion criteria provided. Collection method: literature only. Allele origin: germline. Not counted in ClinVar's aggregate classification.

Literature cited by the submitters: DOI 10.1186/s13073-024-01353-0 (cited by Muscle and Diseases Team, Institut de Génétique et Biologie Moléculaire et Cellulaire); DOI 10.1038/s41467-022-30015-1 (cited by Muscle and Diseases Team, Institut de Génétique et Biologie Moléculaire et Cellulaire); PubMed 35484142 (cited by Labcorp Genetics (formerly Invitae), Labcorp and OMIM).